The following is an entry in ClinVar:

NM_001375808.2(LPIN2):c.-9-94A>T

Gene: LPIN2 (lipin 2; minus strand). Cytogenetic location: 18p11.31.
Variant type: single nucleotide variant.
Coding change: c.-9-94A>T on transcript NM_001375808.2 (MANE Select); 94 bases into the intron before 9 bases upstream of the start codon, A replaced by T.
Molecular consequence: intron variant.
Genome position (GRCh38, 1-based): chr18:2,960,943, T>A on the plus strand (A>T on the coding strand, the complement: LPIN2 is on the minus strand). VCF-style: chr18-2960943-T-A. GRCh37 (hg19) VCF-style: chr18-2960941-T-A.
Other names: c.-9-94A>T (NM_014646.2, NM_001375809.1).
Identifiers: ClinVar variation 677862 (VCV000677862.2), dbSNP rs78634942, ClinGen allele CA295524325.

ClinVar aggregate classification (germline): Likely benign. Review status: criteria provided, multiple submitters, no conflicts (2 of 4 stars). 2 submissions from 2 submitters: Likely benign (2). Last evaluated 2018-06-16.

Allele frequency attached by ClinVar (database versions not stated): gnomAD exomes 0.00188; gnomAD 0.00880 and 0.00940; TOPMed 0.01035; 1000 Genomes Project 0.01198; 1000 Genomes Project 30x 0.01265.
gnomAD v4.1: 2,966 of 970,372 alleles (0.31%); highest among the groups gnomAD compares: African/African-American, 2.7%; 22 homozygotes.

Submissions (2):

GeneDx
Classification: Likely benign. Last evaluated: 2018-06-16. Review status: criteria provided, single submitter. Criteria: GeneDx Variant Classification (06012015). Collection method: clinical testing. Allele origin: germline. Affected: yes.
Comment: This variant is considered likely benign or benign based on one or more of the following criteria: it is a conservative change, it occurs at a poorly conserved position in the protein, it is predicted to be benign by multiple in silico algorithms, and/or has population frequency not consistent with disease.

Breakthrough Genomics
Classification: Likely benign. Review status: criteria provided, single submitter. Criteria: ACMG Guidelines, 2015. Collection method: not provided. Allele origin: germline. Inheritance: Unknown mechanism. Affected: yes.